The following is an entry in ClinVar:

ClinVar aggregate classification (germline): Uncertain significance (1 of 4 stars; one submission).

Allele frequency attached by ClinVar (database versions not stated): gnomAD exomes below 0.00001.
gnomAD v4.1: 1 of 1,613,920 alleles (0.000062%); highest among the groups gnomAD compares: Non-Finnish European, 0.000085%; no homozygotes.

Submission:

Labcorp Genetics (formerly Invitae), Labcorp
Classification: Uncertain significance. Last evaluated: 2023-03-23. Review status: criteria provided, single submitter. Criteria: Invitae Variant Classification Sherloc (09022015). Collection method: clinical testing. Allele origin: germline.
Comment: This sequence change replaces histidine, which is basic and polar, with tyrosine, which is neutral and polar, at codon 42 of the PNLIP protein (p.His42Tyr). This variant is not present in population databases (gnomAD no frequency). This variant has not been reported in the literature in individuals affected with PNLIP-related conditions. An algorithm developed to predict the effect of missense changes on protein structure and function (PolyPhen-2) suggests that this variant is likely to be tolerated. In summary, the available evidence is currently insufficient to determine the role of this variant in disease. Therefore, it has been classified as a Variant of Uncertain Significance.

NM_000936.4(PNLIP):c.124C>T (p.His42Tyr)

Gene: PNLIP (pancreatic lipase; plus strand). Cytogenetic location: 10q25.3.
Variant type: single nucleotide variant.
Coding change: c.124C>T on transcript NM_000936.4 (MANE Select); coding-DNA position 124, C replaced by T.
Protein change: p.His42Tyr; replaces histidine 42 with tyrosine.
Molecular consequence: missense variant.
Genome position (GRCh38, 1-based): chr10:116,547,371, C>T. VCF-style: chr10-116547371-C-T. GRCh37 (hg19) VCF-style: chr10-118306883-C-T.
Other names: short protein forms H42Y.
Identifiers: ClinVar variation 2848920 (VCV002848920.3), dbSNP rs1847138293, ClinGen allele CA378490275.